The following is an entry in ClinVar:

ClinVar aggregate classification (germline): Conflicting classifications of pathogenicity. Review status: criteria provided, conflicting classifications (1 of 4 stars). 3 submissions from 3 submitters: Uncertain significance (2); Likely benign (1). Last evaluated 2026-05-26.

Conditions:
JAG1-related disorder. Also called: JAG1-related condition; JAG1-related disorders.
Cardiovascular phenotype. Identifiers: MedGen CN230736.
Alagille syndrome due to a JAG1 point mutation. Also called: HEPATIC DUCTULAR HYPOPLASIA, SYNDROMATIC; Alagille Syndrome 1; JAG1-Related Alagille Syndrome. Identifiers: Orphanet 261619, Orphanet 52, MedGen C1956125, MONDO:0016862, OMIM 118450.

Allele frequency attached by ClinVar (database versions not stated): ExAC 0.00001; gnomAD exomes 0.00001; gnomAD 0.00003; TOPMed 0.00003.

Submissions (3):

PreventionGenetics, part of Exact Sciences
Classification: Uncertain significance for JAG1-related condition. Last evaluated: 2026-05-26. Review status: criteria provided, single submitter. Criteria: ACMG Guidelines, 2015. Collection method: clinical testing. Allele origin: germline.
Comment: The JAG1 c.2980G>A variant is predicted to result in the amino acid substitution p.Ala994Thr. To our knowledge, this variant has not been reported in the literature. This variant is reported in 0.0033% of alleles in individuals of South Asian descent in gnomAD. At this time, the clinical significance of this variant is uncertain due to the absence of conclusive functional and genetic evidence.

Labcorp Genetics (formerly Invitae), Labcorp
Classification: Likely benign for Alagille syndrome due to a JAG1 point mutation. Last evaluated: 2024-11-24. Review status: criteria provided, single submitter. Criteria: Invitae Variant Classification Sherloc (09022015). Collection method: clinical testing. Allele origin: germline.

Ambry Genetics
Classification: Uncertain significance for Cardiovascular phenotype. Last evaluated: 2023-09-23. Review status: criteria provided, single submitter. Criteria: Ambry Variant Classification Scheme 2023. Collection method: clinical testing. Allele origin: germline.
Comment: The p.A994T variant (also known as c.2980G>A), located in coding exon 24 of the JAG1 gene, results from a G to A substitution at nucleotide position 2980. The alanine at codon 994 is replaced by threonine, an amino acid with similar properties. This amino acid position is conserved. In addition, this alteration is predicted to be tolerated by in silico analysis. Since supporting evidence is limited at this time, the clinical significance of this alteration remains unclear.

NM_000214.3(JAG1):c.2980G>A (p.Ala994Thr)

Gene: JAG1 (jagged canonical Notch ligand 1; minus strand). Cytogenetic location: 20p12.2.
Variant type: single nucleotide variant.
Coding change: c.2980G>A on transcript NM_000214.3 (MANE Select); coding-DNA position 2980, G replaced by A.
Protein change: p.Ala994Thr; replaces alanine 994 with threonine.
Molecular consequence: missense variant.
Genome position (GRCh38, 1-based): chr20:10,641,181, C>T on the plus strand (G>A on the coding strand, the complement: JAG1 is on the minus strand). VCF-style: chr20-10641181-C-T. GRCh37 (hg19) VCF-style: chr20-10621829-C-T.
Other names: c.2980G>A (NM_000214.2); short protein forms A994T.
Identifiers: ClinVar variation 1429439 (VCV001429439.10), dbSNP rs750273506, ClinGen allele CA9764334.
Genomic context (GRCh38, chr20:10,641,181, plus strand): 5'-CATGTATTTCATTGTTCGCTGAAGGGGAAGGCTCGCAAGCGATGTAGATTGAATATTCAG[C>T]GGAAACATTCTTCAAAATATTCAAATTCCTCAATTCACTGCAAATGTGCTCCGTAGTAAG-3'
Protein context (NP_000205.1, residues 984-1004): RNLNILKNVS[Ala994Thr]EYSIYIACEP